The following is an entry in ClinVar:

NM_022051.3(EGLN1):c.467T>G (p.Phe156Cys)

Gene: EGLN1 (egl-9 family hypoxia inducible factor 1; minus strand). Cytogenetic location: 1q42.2.
Variant type: single nucleotide variant.
Coding change: c.467T>G on transcript NM_022051.3 (MANE Select); coding-DNA position 467, T replaced by G.
Protein change: p.Phe156Cys; replaces phenylalanine 156 with cysteine.
Molecular consequence: missense variant.
Genome position (GRCh38, 1-based): chr1:231,421,422, A>C on the plus strand (T>G on the coding strand, the complement: EGLN1 is on the minus strand). VCF-style: chr1-231421422-A-C. GRCh37 (hg19) VCF-style: chr1-231557168-A-C.
Other names: c.467T>G, p.Phe156Cys (NM_001377260.1, NM_001377261.1); short protein forms F156C.
Identifiers: ClinVar variation 3274800 (VCV003274800.1).

ClinVar aggregate classification (germline): Uncertain significance (1 of 4 stars; one submission).

Submission:

Ambry Genetics
Classification: Uncertain significance. Last evaluated: 2024-06-14. Review status: criteria provided, single submitter. Criteria: Ambry Variant Classification Scheme 2023. Collection method: clinical testing. Allele origin: germline.
Comment: The p.F156C variant (also known as c.467T>G), located in coding exon 1 of the EGLN1 gene, results from a T to G substitution at nucleotide position 467. The phenylalanine at codon 156 is replaced by cysteine, an amino acid with highly dissimilar properties. This amino acid position is conserved. In addition, this alteration is predicted to be tolerated by in silico analysis. Based on the available evidence, the clinical significance of this variant remains unclear.